The following is an entry in ClinVar:

ClinVar aggregate classification (germline): Uncertain significance. Review status: criteria provided, multiple submitters, no conflicts (2 of 4 stars). 2 submissions from 2 submitters: Uncertain significance (2). Last evaluated 2025-04-30.

Conditions:
Inborn genetic diseases. Identifiers: MedGen C0950123, MeSH D030342.

Allele frequency attached by ClinVar (database versions not stated): gnomAD 0.00003.
gnomAD v4.1: 7 of 1,599,782 alleles (0.00044%); highest among the groups gnomAD compares: African/African-American, 0.008%; no homozygotes.

Submissions (2):

Ambry Genetics
Classification: Uncertain significance for Inborn genetic diseases. Last evaluated: 2025-04-30. Review status: criteria provided, single submitter. Criteria: Ambry Variant Classification Scheme 2023. Collection method: clinical testing. Allele origin: germline.

Labcorp Genetics (formerly Invitae), Labcorp
Classification: Uncertain significance. Last evaluated: 2022-10-17. Review status: criteria provided, single submitter. Criteria: Invitae Variant Classification Sherloc (09022015). Collection method: clinical testing. Allele origin: germline.
Comment: In summary, the available evidence is currently insufficient to determine the role of this variant in disease. Therefore, it has been classified as a Variant of Uncertain Significance. Algorithms developed to predict the effect of missense changes on protein structure and function are either unavailable or do not agree on the potential impact of this missense change (SIFT: "Deleterious"; PolyPhen-2: "Not Available"; Align-GVGD: "Class C0"). ClinVar contains an entry for this variant (Variation ID: 1398094). This variant has not been reported in the literature in individuals affected with PCLO-related conditions. The frequency data for this variant in the population databases is considered unreliable, as metrics indicate poor data quality at this position in the gnomAD database. This sequence change replaces alanine, which is neutral and non-polar, with serine, which is neutral and polar, at codon 3066 of the PCLO protein (p.Ala3066Ser).

NM_033026.6(PCLO):c.9196G>T (p.Ala3066Ser)

Gene: PCLO (piccolo presynaptic cytomatrix protein; minus strand). Cytogenetic location: 7q21.11.
Variant type: single nucleotide variant.
Coding change: c.9196G>T on transcript NM_033026.6 (MANE Select); coding-DNA position 9196, G replaced by T.
Protein change: p.Ala3066Ser; replaces alanine 3066 with serine.
Molecular consequence: missense variant.
Genome position (GRCh38, 1-based): chr7:82,951,392, C>A on the plus strand (G>T on the coding strand, the complement: PCLO is on the minus strand). VCF-style: chr7-82951392-C-A. GRCh37 (hg19) VCF-style: chr7-82580708-C-A.
Other names: c.9196G>T, p.Ala3066Ser (NM_014510.3); c.9196G>T (NM_033026.5); short protein forms A3066S.
Identifiers: ClinVar variation 1398094 (VCV001398094.6), dbSNP rs1254115548, ClinGen allele CA367909000.